The following is an entry in ClinVar:

NM_004817.4(TJP2):c.1792dup (p.Ile598fs)

Gene: TJP2 (tight junction protein 2; plus strand). Cytogenetic location: 9q21.11.
Variant type: Duplication.
Coding change: c.1792dup on transcript NM_004817.4 (MANE Select); coding-DNA position 1792, one base duplicated (A; older notation c.1792dupA).
Protein change: p.Ile598fs; shifts the reading frame from isoleucine 598.
Molecular consequence: frameshift variant.
Genome position (GRCh38, 1-based): chr9:69,236,039, A duplicated. VCF-style (leftmost placement, unchanged base first): chr9-69236038-C-CA. GRCh37 (hg19) VCF-style: chr9-71850954-C-CA.
Other names: c.1723dup, p.Ile575fs (NM_001170414.2, NM_001369871.1); c.1804dup, p.Ile602fs (NM_001170415.1, NM_001369874.1, NM_001369875.1); c.1885dup, p.Ile629fs (NM_001170416.2); c.1717dup, p.Ile573fs (NM_001369870.1); c.1792dup, p.Ile598fs (NM_001369872.1, NM_001369873.1, NM_201629.3); short protein forms I573fs, I575fs, I598fs, I602fs, I629fs.
Identifiers: ClinVar variation 5019362 (VCV005019362.2).

ClinVar aggregate classification (germline): Likely pathogenic (1 of 4 stars; one submission).

Conditions:
Cholestasis, progressive familial intrahepatic, 4. Identifiers: Orphanet 480483, Orphanet 79304, MedGen C2931067, MONDO:0014381, OMIM 615878.
Hypercholanemia, familial 1 (FHCA1). Identifiers: Orphanet 238475, MedGen C5542604, MONDO:0031446, OMIM 607748.

Submission:

Juno Genomics, Hangzhou Juno Genomics, Inc
Classification: Likely pathogenic for Cholestasis, progressive familial intrahepatic, 4; Hypercholanemia, familial 1. Review status: criteria provided, single submitter. Criteria: ACMG Guidelines, 2015. Collection method: clinical testing. Allele origin: germline.
Comment: Absent from controls (or at extremely low frequency if recessive) in Genome Aggregation Database.;Null variant in a gene where loss of function (LOF) is a known mechanism of disease.